The following is an entry in ClinVar:

ClinVar aggregate classification (germline): Uncertain significance (1 of 4 stars; one submission).

Conditions:
Sialuria. Also called: SIALURIA, FRENCH TYPE; Sialic Acid Storage Disease. Identifiers: Orphanet 3166, MedGen C0342853, MONDO:0010028, OMIM 269921.
GNE myopathy (NM). Also called: NONAKA DISTAL MYOPATHY; INCLUSION BODY MYOPATHY, HEREDITARY, AUTOSOMAL RECESSIVE; INCLUSION BODY MYOPATHY 2, AUTOSOMAL RECESSIVE; MYOPATHY, DISTAL, WITH OR WITHOUT RIMMED VACUOLES; IBM 2; Inclusion body myopathy autosomal recessive. Identifiers: Orphanet 602, MedGen C1853926, MONDO:0011603, OMIM 605820.

Allele frequency attached by ClinVar (database versions not stated): gnomAD exomes below 0.00001.
gnomAD v4.1: 1 of 1,611,946 alleles (0.000062%); highest among the groups gnomAD compares: Non-Finnish European, 0.000085%; no homozygotes.

Submission:

Labcorp Genetics (formerly Invitae), Labcorp
Classification: Uncertain significance for Sialuria; GNE myopathy. Last evaluated: 2023-07-31. Review status: criteria provided, single submitter. Criteria: Invitae Variant Classification Sherloc (09022015). Collection method: clinical testing. Allele origin: germline.
Comment: In summary, the available evidence is currently insufficient to determine the role of this variant in disease. Therefore, it has been classified as a Variant of Uncertain Significance. This sequence change replaces phenylalanine, which is neutral and non-polar, with leucine, which is neutral and non-polar, at codon 420 of the GNE protein (p.Phe420Leu). This variant is not present in population databases (gnomAD no frequency). This variant has not been reported in the literature in individuals affected with GNE-related conditions. Advanced modeling of protein sequence and biophysical properties (such as structural, functional, and spatial information, amino acid conservation, physicochemical variation, residue mobility, and thermodynamic stability) has been performed at Invitae for this missense variant, however the output from this modeling did not meet the statistical confidence thresholds required to predict the impact of this variant on GNE protein function.

NM_005476.7(GNE):c.1165T>C (p.Phe389Leu)

Gene: GNE (glucosamine (UDP-N-acetyl)-2-epimerase/N-acetylmannosamine kinase; minus strand). Cytogenetic location: 9p13.3.
Variant type: single nucleotide variant.
Coding change: c.1165T>C on transcript NM_005476.7 (MANE Select); coding-DNA position 1165, T replaced by C.
Protein change: p.Phe389Leu; replaces phenylalanine 389 with leucine.
Molecular consequence: missense variant.
Genome position (GRCh38, 1-based): chr9:36,227,364, A>G on the plus strand (T>C on the coding strand, the complement: GNE is on the minus strand). VCF-style: chr9-36227364-A-G. GRCh37 (hg19) VCF-style: chr9-36227361-A-G.
Other names: c.1258T>C, p.Phe420Leu (NM_001128227.3); c.1165T>C, p.Phe389Leu (NM_001190383.3); c.835T>C, p.Phe279Leu (NM_001190384.3); c.988T>C, p.Phe330Leu (NM_001190388.2, NM_001374798.1); c.1012T>C, p.Phe338Leu (NM_001374797.1); short protein forms F338L, F420L, F279L, F330L, F389L.
Identifiers: ClinVar variation 2935416 (VCV002935416.3), dbSNP rs2489663335, ClinGen allele CA373428878.